The following is an entry in ClinVar:

ClinVar aggregate classification (germline): Uncertain significance (1 of 4 stars; one submission).

Conditions:
Hereditary factor VIII deficiency disease (HEMA). Also called: AUTOSOMAL HEMOPHILIA A; HEMOPHILIA, CLASSIC; Hemophilia A, congenital; HEM A; Factor 8 deficiency, congenital; Hemophilia A. Identifiers: Orphanet 98878, MedGen C0019069, MONDO:0010602, OMIM 306700.

gnomAD v4.1: 60 of 1,210,145 alleles (0.005%); highest among the groups gnomAD compares: Non-Finnish European, 0.0067%; no homozygotes.

Submission:

Myriad Genetics, Inc.
Classification: Uncertain significance for Hereditary factor VIII deficiency disease. Last evaluated: 2026-05-13. Review status: criteria provided, single submitter. Criteria: Myriad Autosomal Dominant, Autosomal Recessive and X-Linked Classification Criteria (2023). Collection method: clinical testing. Allele origin: unknown.
Comment: NM_000132.3(F8):c.5348G>C(R1783T) is a missense variant classified as a variant of uncertain significance in the context of hemophilia A. R1783T has been observed in a case with relevant disease (PMID: 23812942). Relevant functional assessments of this variant are not available in the literature. R1783T has not been observed in referenced population frequency databases. In summary, there is insufficient evidence to classify NM_000132.3(F8):c.5348G>C(R1783T) as pathogenic or benign. Please note: this variant was assessed in the context of healthy population screening.

Literature cited by the submitters: PubMed 23812942.

NM_000132.4(F8):c.5348G>C (p.Arg1783Thr)

Gene: F8 (coagulation factor VIII; minus strand). Cytogenetic location: Xq28.
Variant type: single nucleotide variant.
Coding change: c.5348G>C on transcript NM_000132.4 (MANE Select); coding-DNA position 5348, G replaced by C.
Protein change: p.Arg1783Thr; replaces arginine 1783 with threonine.
Molecular consequence: missense variant.
Genome position (GRCh38, 1-based): chrX:154,906,445, C>G on the plus strand (G>C on the coding strand, the complement: F8 is on the minus strand). VCF-style: chrX-154906445-C-G. GRCh37 (hg19) VCF-style: chrX-154134720-C-G.
Other names: short protein forms R1783T.
Identifiers: ClinVar variation 5004672 (VCV005004672.1).
Genomic context (GRCh38, chrX:154,906,445, plus strand): 5'-TTAATTTTCTTGTAATTCCACTGTCCTTAACTCACCATGATATTATCTTCAACTTCTGCT[C>G]TTATATATGGCCCCAGGAGTCCCAAATGTTCATTTAGTTCTCCACGGTATAAGGGCTGAG-3'
Protein context (NP_000123.1, residues 1773-1793): EHLGLLGPYI[Arg1783Thr]AEVEDNIMVT